The following is an entry in ClinVar:

ClinVar aggregate classification (germline): Uncertain significance. Review status: criteria provided, multiple submitters, no conflicts (2 of 4 stars). 4 submissions from 4 submitters: Uncertain significance (4). Last evaluated 2026-09-01.

Conditions:
Cardiovascular phenotype. Identifiers: MedGen CN230736.
Dilated cardiomyopathy 1O (CMD1O). Also called: CARDIOMYOPATHY, DILATED, WITH VENTRICULAR TACHYCARDIA. Identifiers: Orphanet 154, MedGen C1837839, MONDO:0012062, OMIM 608569.

Allele frequency attached by ClinVar (database versions not stated): gnomAD exomes 0.00001; ExAC 0.00002; gnomAD 0.00003; ESP Exome Variant Server 0.00008.
gnomAD v4.1: 17 of 1,613,960 alleles (0.0011%); highest among the groups gnomAD compares: African/African-American, 0.0053%; no homozygotes.

Submissions (4):

CeGaT Center for Human Genetics Tuebingen
Classification: Uncertain significance. Last evaluated: 2026-09-01. Review status: criteria provided, single submitter. Criteria: CeGaT Center For Human Genetics Tuebingen Variant Classification Criteria Version 2. Collection method: clinical testing. Allele origin: germline. Affected: yes. Observed: 1 variant allele.
Comment: ABCC9: PM2

Labcorp Genetics (formerly Invitae), Labcorp
Classification: Uncertain significance for Dilated cardiomyopathy 1O. Last evaluated: 2025-11-09. Review status: criteria provided, single submitter. Criteria: Invitae Variant Classification Sherloc (09022015). Collection method: clinical testing. Allele origin: germline.
Comment: This sequence change replaces valine, which is neutral and non-polar, with methionine, which is neutral and non-polar, at codon 109 of the ABCC9 protein (p.Val109Met). This variant is present in population databases (rs374849789, gnomAD 0.008%). This variant has not been reported in the literature in individuals affected with ABCC9-related conditions. ClinVar contains an entry for this variant (Variation ID: 1007756). Invitae Evidence Modeling of protein sequence and biophysical properties (such as structural, functional, and spatial information, amino acid conservation, physicochemical variation, residue mobility, and thermodynamic stability) indicates that this missense variant is not expected to disrupt ABCC9 protein function with a negative predictive value of 95%. In summary, the available evidence is currently insufficient to determine the role of this variant in disease. Therefore, it has been classified as a Variant of Uncertain Significance.

Ambry Genetics
Classification: Uncertain significance for Cardiovascular phenotype. Last evaluated: 2025-09-02. Review status: criteria provided, single submitter. Criteria: Ambry Variant Classification Scheme 2023. Collection method: clinical testing. Allele origin: germline.
Comment: The p.V109M variant (also known as c.325G>A), located in coding exon 3 of the ABCC9 gene, results from a G to A substitution at nucleotide position 325. The valine at codon 109 is replaced by methionine, an amino acid with highly similar properties. This amino acid position is not well conserved in available vertebrate species. In addition, the in silico prediction for this alteration is inconclusive. Based on the available evidence, the clinical significance of this variant remains unclear.

GeneDx
Classification: Uncertain significance. Last evaluated: 2025-02-18. Review status: criteria provided, single submitter. Criteria: GeneDx Variant Classification Process June 2021. Collection method: clinical testing. Allele origin: germline. Affected: yes.
Comment: Has not been previously published as pathogenic or benign to our knowledge; Not observed at significant frequency in large population cohorts (gnomAD); In silico analysis indicates that this missense variant does not alter protein structure/function

NM_020297.4(ABCC9):c.325G>A (p.Val109Met)

Gene: ABCC9 (ATP binding cassette subfamily C member 9; minus strand). Cytogenetic location: 12p12.1.
Variant type: single nucleotide variant.
Coding change: c.325G>A on transcript NM_020297.4 (MANE Select); coding-DNA position 325, G replaced by A.
Protein change: p.Val109Met; replaces valine 109 with methionine.
Molecular consequence: missense variant. On other transcripts: 5 prime UTR variant (1).
Genome position (GRCh38, 1-based): chr12:21,926,023, C>T on the plus strand (G>A on the coding strand, the complement: ABCC9 is on the minus strand). VCF-style: chr12-21926023-C-T. GRCh37 (hg19) VCF-style: chr12-22078957-C-T.
Other names: c.325G>A, p.Val109Met (NM_001377273.1, NM_005691.4); c.-130G>A (NM_001377274.1); c.325G>A (NM_005691.2, NM_020297.2); short protein forms V109M.
Identifiers: ClinVar variation 1007756 (VCV001007756.11), dbSNP rs374849789, ClinGen allele CA6481901.